The following is an entry in ClinVar:

ClinVar aggregate classification (germline): Uncertain significance (1 of 4 stars; one submission).

Submission:

GeneDx
Classification: Uncertain significance. Last evaluated: 2019-10-11. Review status: criteria provided, single submitter. Criteria: GeneDx Variant Classification Process June 2021. Collection method: clinical testing. Allele origin: germline. Affected: yes.
Comment: Not observed in large population cohorts (Lek et al., 2016); In silico analysis, which includes protein predictors and evolutionary conservation, supports that this variant does not alter protein structure/function; Has not been previously published as pathogenic or benign to our knowledge

NM_016604.4(KDM3B):c.265G>A (p.Val89Met)

Gene: KDM3B (lysine demethylase 3B; plus strand). Cytogenetic location: 5q31.2.
Variant type: single nucleotide variant.
Coding change: c.265G>A on transcript NM_016604.4 (MANE Select); coding-DNA position 265, G replaced by A.
Protein change: p.Val89Met; replaces valine 89 with methionine.
Molecular consequence: missense variant.
Genome position (GRCh38, 1-based): chr5:138,372,746, G>A. VCF-style: chr5-138372746-G-A. GRCh37 (hg19) VCF-style: chr5-137708435-G-A.
Other names: short protein forms V89M.
Identifiers: ClinVar variation 1317421 (VCV001317421.2), dbSNP rs2126922709, ClinGen allele CA361094606.